The following is an entry in ClinVar:

NM_001003800.2(BICD2):c.150G>A (p.Val50=)

Gene: BICD2 (BICD cargo adaptor 2; minus strand). Cytogenetic location: 9q22.31.
Variant type: single nucleotide variant.
Coding change: c.150G>A on transcript NM_001003800.2 (MANE Select); coding-DNA position 150, G replaced by A.
Protein change: p.Val50=; no amino-acid change (valine 50 retained).
Molecular consequence: synonymous variant.
Genome position (GRCh38, 1-based): chr9:92,764,595, C>T on the plus strand (G>A on the coding strand, the complement: BICD2 is on the minus strand). VCF-style: chr9-92764595-C-T. GRCh37 (hg19) VCF-style: chr9-95526877-C-T.
Other names: c.150G>A, p.Val50= (NM_015250.4).
Identifiers: ClinVar variation 746474 (VCV000746474.9), dbSNP rs186133837, ClinGen allele CA5126874.
Genomic context (GRCh38, chr9:92,764,595, plus strand): 5'-AGCCTCATAGTCCACCTCGAGCTCCTCGAACTGCAGCTTGAGCTGGTGCTTCTCCTCGAG[C>T]ACCGCCAGCCCGTACTCGGCCGCCTGGATCTTCTCACGCGTGGTCTCGGCCAGCTCGTGG-3'
Protein context (NP_001003800.1, residues 40-60): KIQAAEYGLA[Val50=]LEEKHQLKLQ

ClinVar aggregate classification (germline): Likely benign. Review status: criteria provided, multiple submitters, no conflicts (2 of 4 stars). 2 submissions from 2 submitters: Likely benign (2). Last evaluated 2026-09-01.

Conditions:
Autosomal dominant childhood-onset proximal spinal muscular atrophy with contractures (SMALED2A). Also called: SPINAL MUSCULAR ATROPHY, LOWER EXTREMITY-PREDOMINANT, 2A, CHILDHOOD ONSET, AUTOSOMAL DOMINANT; Spinal muscular atrophy, lower extremity-predominant, 2A, autosomal dominant. Identifiers: Orphanet 363447, Orphanet 363454, MedGen C4747715, MONDO:0014121, OMIM 615290.

Allele frequency attached by ClinVar (database versions not stated): gnomAD 0.00004; TOPMed 0.00013; 1000 Genomes Project 30x 0.00031.
gnomAD v4.1: 39 of 1,580,834 alleles (0.0025%); highest among the groups gnomAD compares: East Asian, 0.081%; no homozygotes.

Submissions (2):

CeGaT Center for Human Genetics Tuebingen
Classification: Likely benign. Last evaluated: 2026-09-01. Review status: criteria provided, single submitter. Criteria: CeGaT Center For Human Genetics Tuebingen Variant Classification Criteria Version 2. Collection method: clinical testing. Allele origin: germline. Affected: yes. Observed: 1 variant allele.
Comment: BICD2: BP4, BP7

Labcorp Genetics (formerly Invitae), Labcorp
Classification: Likely benign for Autosomal dominant childhood-onset proximal spinal muscular atrophy with contractures. Last evaluated: 2025-11-10. Review status: criteria provided, single submitter. Criteria: Invitae Variant Classification Sherloc (09022015). Collection method: clinical testing. Allele origin: germline.